The following is an entry in ClinVar:

ClinVar aggregate classification (germline): Uncertain significance (1 of 4 stars; one submission).

Conditions:
Familial cancer of breast. Also called: hereditary breast carcinoma; BREAST CANCER, FAMILIAL; Hereditary breast cancer. Identifiers: Orphanet 227535, MedGen C0346153, MONDO:0016419, OMIM 114480. Disease mechanism: loss of function.

Submission:

Labcorp Genetics (formerly Invitae), Labcorp
Classification: Uncertain significance for Familial cancer of breast. Last evaluated: 2022-09-17. Review status: criteria provided, single submitter. Criteria: Invitae Variant Classification Sherloc (09022015). Collection method: clinical testing. Allele origin: germline.
Comment: In summary, the available evidence is currently insufficient to determine the role of this variant in disease. Therefore, it has been classified as a Variant of Uncertain Significance. This sequence change replaces serine, which is neutral and polar, with arginine, which is basic and polar, at codon 24 of the CHEK2 protein (p.Ser24Arg). This variant is not present in population databases (gnomAD no frequency). This variant has not been reported in the literature in individuals affected with CHEK2-related conditions. Algorithms developed to predict the effect of missense changes on protein structure and function (SIFT, PolyPhen-2, Align-GVGD) all suggest that this variant is likely to be tolerated.

NM_007194.4(CHEK2):c.72C>G (p.Ser24Arg)

Gene: CHEK2 (checkpoint kinase 2; minus strand). Cytogenetic location: 22q12.1.
Variant type: single nucleotide variant.
Coding change: c.72C>G on transcript NM_007194.4 (MANE Select); coding-DNA position 72, C replaced by G.
Protein change: p.Ser24Arg; replaces serine 24 with arginine.
Molecular consequence: missense variant.
Genome position (GRCh38, 1-based): chr22:28,734,650, G>C on the plus strand (C>G on the coding strand, the complement: CHEK2 is on the minus strand). VCF-style: chr22-28734650-G-C. GRCh37 (hg19) VCF-style: chr22-29130638-G-C.
Other names: c.72C>G, p.Ser24Arg (NM_001005735.3, NM_001349956.3, NM_145862.3); c.-706C>G (NM_001257387.3); short protein forms S24R.
Identifiers: ClinVar variation 2029512 (VCV002029512.4), dbSNP rs759679862, ClinGen allele CA411091679.